The following is an entry in ClinVar:

ClinVar aggregate classification (germline): Uncertain significance (1 of 4 stars; one submission).

Conditions:
Joubert syndrome. Also called: CEREBELLOPARENCHYMAL DISORDER IV; JOUBERT-BOLTSHAUSER SYNDROME; Familial aplasia of the vermis. Identifiers: Orphanet 475, MedGen C5979921, MONDO:0018772.

gnomAD v4.1: 1 of 1,578,486 alleles (0.000063%); highest among the groups gnomAD compares: Admixed American, 0.0018%; no homozygotes.

Submission:

Labcorp Genetics (formerly Invitae), Labcorp
Classification: Uncertain significance for Joubert syndrome. Last evaluated: 2022-10-24. Review status: criteria provided, single submitter. Criteria: Invitae Variant Classification Sherloc (09022015). Collection method: clinical testing. Allele origin: germline.
Comment: In summary, the available evidence is currently insufficient to determine the role of this variant in disease. Therefore, it has been classified as a Variant of Uncertain Significance. Advanced modeling of protein sequence and biophysical properties (such as structural, functional, and spatial information, amino acid conservation, physicochemical variation, residue mobility, and thermodynamic stability) has been performed at Invitae for this missense variant, however the output from this modeling did not meet the statistical confidence thresholds required to predict the impact of this variant on AHI1 protein function. This missense change has been observed in individual(s) with retinitis pigmentosa (Invitae). This variant is not present in population databases (gnomAD no frequency). This sequence change replaces proline, which is neutral and non-polar, with leucine, which is neutral and non-polar, at codon 802 of the AHI1 protein (p.Pro802Leu).

NM_001134831.2(AHI1):c.2405C>T (p.Pro802Leu)

Gene: AHI1 (Abelson helper integration site 1; minus strand). Cytogenetic location: 6q23.3.
Variant type: single nucleotide variant.
Coding change: c.2405C>T on transcript NM_001134831.2 (MANE Select); coding-DNA position 2405, C replaced by T.
Protein change: p.Pro802Leu; replaces proline 802 with leucine.
Molecular consequence: missense variant.
Genome position (GRCh38, 1-based): chr6:135,429,969, G>A on the plus strand (C>T on the coding strand, the complement: AHI1 is on the minus strand). VCF-style: chr6-135429969-G-A. GRCh37 (hg19) VCF-style: chr6-135751107-G-A.
Other names: c.2405C>T, p.Pro802Leu (NM_001134830.2, NM_001134832.2, NM_001350503.2 and 2 more transcripts); short protein forms P802L.
Identifiers: ClinVar variation 2012911 (VCV002012911.4), dbSNP rs2484552270, ClinGen allele CA365742887.